The following is an entry in ClinVar:

ClinVar aggregate classification (germline): Uncertain significance (1 of 4 stars; one submission).

Allele frequency attached by ClinVar (database versions not stated): TOPMed 0.00003; gnomAD 0.00004; gnomAD exomes 0.00005 and 0.00011; ExAC 0.00019.
gnomAD v4.1: 79 of 1,612,286 alleles (0.0049%); highest among the groups gnomAD compares: Non-Finnish European, 0.0064%; 1 homozygote.

Submission:

Labcorp Genetics (formerly Invitae), Labcorp
Classification: Uncertain significance. Last evaluated: 2025-10-21. Review status: criteria provided, single submitter. Criteria: Invitae Variant Classification Sherloc (09022015). Collection method: clinical testing. Allele origin: germline.
Comment: This sequence change falls in intron 2 of the TGFB1 gene. It does not directly change the encoded amino acid sequence of the TGFB1 protein. It affects a nucleotide within the consensus splice site. This variant is present in population databases (rs200301188, gnomAD 0.02%). This variant has not been reported in the literature in individuals affected with TGFB1-related conditions. ClinVar contains an entry for this variant (Variation ID: 1355053). Variants that disrupt the consensus splice site are a relatively common cause of aberrant splicing (PMID: 17576681, 9536098). Algorithms developed to predict the effect of sequence changes on RNA splicing suggest that this variant is not likely to affect RNA splicing. In summary, the available evidence is currently insufficient to determine the role of this variant in disease. Therefore, it has been classified as a Variant of Uncertain Significance.

Literature cited by the submitters: PubMed 17576681; PubMed 9536098.

NM_000660.7(TGFB1):c.516+6G>T

Gene: TGFB1 (transforming growth factor beta 1; minus strand). Cytogenetic location: 19q13.2.
Variant type: single nucleotide variant.
Coding change: c.516+6G>T on transcript NM_000660.7 (MANE Select); 6 bases into the intron after coding-DNA position 516, G replaced by T.
Molecular consequence: intron variant.
Genome position (GRCh38, 1-based): chr19:41,348,289, C>A on the plus strand (G>T on the coding strand, the complement: TGFB1 is on the minus strand). VCF-style: chr19-41348289-C-A. GRCh37 (hg19) VCF-style: chr19-41854194-C-A.
Identifiers: ClinVar variation 1355053 (VCV001355053.6), dbSNP rs200301188, ClinGen allele CA9460079.